The following is an entry in ClinVar:

ClinVar aggregate classification (germline): Uncertain significance (1 of 4 stars; one submission).

gnomAD v4.1: 3 of 1,612,732 alleles (0.00019%); highest among the groups gnomAD compares: Admixed American, 0.0017%; no homozygotes.

Submission:

Labcorp Genetics (formerly Invitae), Labcorp
Classification: Uncertain significance. Last evaluated: 2022-05-27. Review status: criteria provided, single submitter. Criteria: Invitae Variant Classification Sherloc (09022015). Collection method: clinical testing. Allele origin: germline.
Comment: This variant has not been reported in the literature in individuals affected with MAPKBP1-related conditions. In summary, the available evidence is currently insufficient to determine the role of this variant in disease. Therefore, it has been classified as a Variant of Uncertain Significance. Algorithms developed to predict the effect of missense changes on protein structure and function are either unavailable or do not agree on the potential impact of this missense change (SIFT: "Tolerated"; PolyPhen-2: "Possibly Damaging"; Align-GVGD: "Class C0"). This variant is present in population databases (no rsID available, gnomAD 0.003%). This sequence change replaces arginine, which is basic and polar, with proline, which is neutral and non-polar, at codon 1504 of the MAPKBP1 protein (p.Arg1504Pro).

NM_014994.3(MAPKBP1):c.4493G>C (p.Arg1498Pro)

Gene: MAPKBP1 (mitogen-activated protein kinase binding protein 1; plus strand). Cytogenetic location: 15q15.1.
Variant type: single nucleotide variant.
Coding change: c.4493G>C on transcript NM_014994.3 (MANE Select); coding-DNA position 4493, G replaced by C.
Protein change: p.Arg1498Pro; replaces arginine 1498 with proline.
Molecular consequence: missense variant. On other transcripts: non-coding transcript variant (2).
Genome position (GRCh38, 1-based): chr15:41,825,402, G>C. VCF-style: chr15-41825402-G-C. GRCh37 (hg19) VCF-style: chr15-42117600-G-C.
Other names: c.4511G>C, p.Arg1504Pro (NM_001128608.2); c.3662G>C, p.Arg1221Pro (NM_001265611.2); short protein forms R1504P, R1221P, R1498P.
Identifiers: ClinVar variation 1395246 (VCV001395246.6), dbSNP rs371203749, ClinGen allele CA391880720.